The following is an entry in ClinVar:

NM_000065.5(C6):c.1093T>A (p.Tyr365Asn)

Gene: C6 (complement C6; minus strand). Cytogenetic location: 5p13.1.
Variant type: single nucleotide variant.
Coding change: c.1093T>A on transcript NM_000065.5 (MANE Select); coding-DNA position 1093, T replaced by A.
Protein change: p.Tyr365Asn; replaces tyrosine 365 with asparagine.
Molecular consequence: missense variant.
Genome position (GRCh38, 1-based): chr5:41,176,550, A>T on the plus strand (T>A on the coding strand, the complement: C6 is on the minus strand). VCF-style: chr5-41176550-A-T. GRCh37 (hg19) VCF-style: chr5-41176652-A-T.
Other names: c.1093T>A, p.Tyr365Asn (NM_001115131.4); short protein forms Y365N.
Identifiers: ClinVar variation 1495542 (VCV001495542.7), dbSNP rs768032419, ClinGen allele CA3252574.
Genomic context (GRCh38, chr5:41,176,550, plus strand): 5'-CCTCACTGCTAAACTGATAGAGAAGGTCATACACGCCTCCCAGGGAGCCAGAGGTGAAGT[A>T]ATGAGTCCCAAAGTCATCGAATATTCGGCTGTACAAAGCAGAGTTGTATTCTAGAGGCAG-3'
Protein context (NP_000056.2, residues 355-375): SRIFDDFGTH[Tyr365Asn]FTSGSLGGVY

ClinVar aggregate classification (germline): Uncertain significance (1 of 4 stars; one submission).

Allele frequency attached by ClinVar (database versions not stated): gnomAD exomes below 0.00001; TOPMed below 0.00001; ExAC 0.00001.
gnomAD v4.1: 1 of 1,613,922 alleles (0.000062%); highest among the groups gnomAD compares: Admixed American, 0.0017%; no homozygotes.

Submission:

Labcorp Genetics (formerly Invitae), Labcorp
Classification: Uncertain significance. Last evaluated: 2024-12-09. Review status: criteria provided, single submitter. Criteria: Invitae Variant Classification Sherloc (09022015). Collection method: clinical testing. Allele origin: germline.
Comment: This sequence change replaces tyrosine, which is neutral and polar, with asparagine, which is neutral and polar, at codon 365 of the C6 protein (p.Tyr365Asn). This variant is present in population databases (rs768032419, gnomAD 0.003%). This variant has not been reported in the literature in individuals affected with C6-related conditions. ClinVar contains an entry for this variant (Variation ID: 1495542). An algorithm developed to predict the effect of missense changes on protein structure and function (PolyPhen-2) suggests that this variant is likely to be disruptive. In summary, the available evidence is currently insufficient to determine the role of this variant in disease. Therefore, it has been classified as a Variant of Uncertain Significance.